The following is an entry in ClinVar:

NM_001378414.1(HDAC4):c.2965G>A (p.Ala989Thr)

Gene: HDAC4 (histone deacetylase 4; minus strand). Cytogenetic location: 2q37.3.
Variant type: single nucleotide variant.
Coding change: c.2965G>A on transcript NM_001378414.1 (MANE Select); coding-DNA position 2965, G replaced by A.
Protein change: p.Ala989Thr; replaces alanine 989 with threonine.
Molecular consequence: missense variant.
Genome position (GRCh38, 1-based): chr2:239,066,760, C>T on the plus strand (G>A on the coding strand, the complement: HDAC4 is on the minus strand). VCF-style: chr2-239066760-C-T. GRCh37 (hg19) VCF-style: chr2-239988456-C-T.
Other names: c.2965G>A, p.Ala989Thr (NM_001378415.1); c.2950G>A, p.Ala984Thr (NM_001378416.1, NM_001378417.1, NM_006037.4); short protein forms A984T, A989T.
Identifiers: ClinVar variation 2515150 (VCV002515150.20), dbSNP rs1041481760, ClinGen allele CA68026092.

ClinVar aggregate classification (germline): Likely benign. Review status: criteria provided, multiple submitters, no conflicts (2 of 4 stars). 2 submissions from 2 submitters: Likely benign (2). Last evaluated 2024-06-01.

Conditions:
Inborn genetic diseases. Identifiers: MedGen C0950123, MeSH D030342.

Allele frequency attached by ClinVar (database versions not stated): gnomAD 0.00015; TOPMed 0.00015.
gnomAD v4.1: 62 of 1,613,852 alleles (0.0038%); highest among the groups gnomAD compares: Admixed American, 0.042%; no homozygotes.

Submissions (2):

CeGaT Center for Human Genetics Tuebingen
Classification: Likely benign. Last evaluated: 2024-06-01. Review status: criteria provided, single submitter. Criteria: CeGaT Center For Human Genetics Tuebingen Variant Classification Criteria Version 2. Collection method: clinical testing. Allele origin: germline. Affected: yes. Observed: 1 variant allele.
Comment: HDAC4: PP3, BS1

Ambry Genetics
Classification: Likely benign for Inborn genetic diseases. Last evaluated: 2023-05-03. Review status: criteria provided, single submitter. Criteria: Ambry Variant Classification Scheme 2023. Collection method: clinical testing. Allele origin: germline.